The following is an entry in ClinVar:

ClinVar aggregate classification (germline): Conflicting classifications of pathogenicity. Review status: criteria provided, conflicting classifications (1 of 4 stars). 9 submissions from 9 submitters: Uncertain significance (8); Likely benign (1). Last evaluated 2026-06-12.

Conditions:
SLC10A2-related disorder. Also called: SLC10A2-related condition.
Bile acid malabsorption, primary, 1 (PBAM1). Also called: Bile acid malabsorption, primary. Identifiers: MedGen C5561934, MONDO:0013214, OMIM 613291.

Allele frequency attached by ClinVar (database versions not stated): 1000 Genomes Project 0.00040; gnomAD 0.00045; TOPMed 0.00046; 1000 Genomes Project 30x 0.00047; ExAC 0.00051.

Submissions (9):

PreventionGenetics, part of Exact Sciences
Classification: Uncertain significance for SLC10A2-related condition. Last evaluated: 2026-06-12. Review status: criteria provided, single submitter. Criteria: ACMG Guidelines, 2015. Collection method: clinical testing. Allele origin: germline.
Comment: The SLC10A2 c.785C>T variant is predicted to result in the amino acid substitution p.Thr262Met. This variant was reported in a single individual with autosomal recessive primary bile acid malabsorption, but it was detected in cis (on the same chromosome) with a more rare variant (Oelkers et al. 1997. PubMed ID: 9109432). Functional studies have supported the pathogenicity of both changes alone, and as a complex allele, thus not allowing definitive conclusions about which may be causative (Ho et al. 2011. PubMed ID: 21649730). In ClinVar, this variant is interpreted by the majority of submitting laboratories as a variant of uncertain significance (Variation ID: 242727). This variant is reported in 0.26% of alleles in individuals of Ashkenazi Jewish descent in gnomAD. Although we suspect that this variant may be pathogenic, at this time, the clinical significance of this variant is uncertain due to the absence of conclusive functional and genetic evidence.

Labcorp Genetics (formerly Invitae), Labcorp
Classification: Likely benign. Last evaluated: 2026-01-28. Review status: criteria provided, single submitter. Criteria: Invitae Variant Classification Sherloc (09022015). Collection method: clinical testing. Allele origin: germline.

Blueprint Genetics
Classification: Uncertain significance. Last evaluated: 2024-11-20. Review status: criteria provided, single submitter. Criteria: ACMG Guidelines, 2015. Collection method: clinical testing. Allele origin: germline.

Genomic Medicine Center of Excellence, King Faisal Specialist Hospital and Research Centre
Classification: Uncertain significance for Bile acid malabsorption, primary, 1. Last evaluated: 2024-03-14. Review status: criteria provided, single submitter. Criteria: ACMG Guidelines, 2015. Collection method: research. Allele origin: germline.

Department of Pathology and Laboratory Medicine, Sinai Health System
Classification: Uncertain significance for Bile acid malabsorption, primary, 1. Last evaluated: 2023-08-04. Review status: criteria provided, single submitter. Criteria: ACMG Guidelines, 2015. Collection method: research. Allele origin: germline.

Mayo Clinic Laboratories, Mayo Clinic
Classification: Uncertain significance. Last evaluated: 2023-02-09. Review status: criteria provided, single submitter. Criteria: ACMG Guidelines, 2015. Collection method: clinical testing. Allele origin: germline. Observed: 1 variant allele.
Comment: PP3, PS3

CeGaT Center for Human Genetics Tuebingen
Classification: Uncertain significance. Last evaluated: 2020-01-01. Review status: criteria provided, single submitter. Criteria: CeGaT Center For Human Genetics Tuebingen Variant Classification Criteria Version 2. Collection method: clinical testing. Allele origin: germline. Affected: yes. Observed: 2 variant alleles.

Eurofins Ntd Llc (ga)
Classification: Uncertain significance. Last evaluated: 2018-08-23. Review status: criteria provided, single submitter. Criteria: EGL ClinVar v180209 classification definitions. Collection method: clinical testing. Allele origin: germline. Observed: 3 variant alleles, 3 heterozygotes.

Breakthrough Genomics
Classification: Uncertain significance. Review status: criteria provided, single submitter. Criteria: ACMG Guidelines, 2015. Collection method: not provided. Allele origin: germline. Inheritance: Autosomal recessive inheritance. Affected: yes.

Literature cited by the submitters: PubMed 16541252 (cited by Mayo Clinic Laboratories, Mayo Clinic); PubMed 19823678 (cited by Mayo Clinic Laboratories, Mayo Clinic); PubMed 21341987 (cited by Mayo Clinic Laboratories, Mayo Clinic); PubMed 21649730 (cited by Mayo Clinic Laboratories, Mayo Clinic); PubMed 23374508 (cited by Mayo Clinic Laboratories, Mayo Clinic); PubMed 25027376 (cited by Mayo Clinic Laboratories, Mayo Clinic); PubMed 28039895 (cited by Mayo Clinic Laboratories, Mayo Clinic); PubMed 34192422 (cited by Mayo Clinic Laboratories, Mayo Clinic); PubMed 9109432 (cited by Mayo Clinic Laboratories, Mayo Clinic).

NM_000452.3(SLC10A2):c.785C>T (p.Thr262Met)

Gene: SLC10A2 (solute carrier family 10 member 2; minus strand). Cytogenetic location: 13q33.1.
Variant type: single nucleotide variant.
Coding change: c.785C>T on transcript NM_000452.3 (MANE Select); coding-DNA position 785, C replaced by T.
Protein change: p.Thr262Met; replaces threonine 262 with methionine.
Molecular consequence: missense variant.
Genome position (GRCh38, 1-based): chr13:103,049,423, G>A on the plus strand (C>T on the coding strand, the complement: SLC10A2 is on the minus strand). VCF-style: chr13-103049423-G-A. GRCh37 (hg19) VCF-style: chr13-103701773-G-A.
Other names: c.785C>T (NM_000452.2); short protein forms T262M.
Identifiers: ClinVar variation 242727 (VCV000242727.57), dbSNP rs72547505, ClinGen allele CA031677.
Genomic context (GRCh38, chr13:103,049,423, plus strand): 5'-TCCTCAGGAGTGAAGGAGAGCTGAACGATGGTGGAACATAGCTGCGTGTTCTGCATCCCC[G>A]TTTCAAAAGCAACCGTTCGGCACCTAAAGAAGATGTTAAGAGAGCACATGTTTTAGTAGT-3'
Protein context (NP_000443.2, residues 252-272): WYRCRTVAFE[Thr262Met]GMQNTQLCST